The following is an entry in ClinVar:

ClinVar aggregate classification (germline): Conflicting classifications of pathogenicity. Review status: criteria provided, conflicting classifications (1 of 4 stars). 11 submissions from 11 submitters: Uncertain significance (6); Likely benign (4). 1 of the submissions does not count toward it. Last evaluated 2026-01-28.

Conditions:
PCDH15-related disorder. Also called: PCDH15-related disorders; PCDH15-related condition.
Retinal dystrophy. Also called: Inherited retinal dystrophy. Identifiers: Orphanet 71862, MedGen C0854723, MeSH D058499, MONDO:0019118, HP:0000556.
Autosomal recessive nonsyndromic hearing loss 23. Identifiers: Orphanet 90636, MedGen C1836027, MONDO:0012293, OMIM 609533.
Usher syndrome type 1D (USH1D). Also called: USHER SYNDROME, TYPE ID. Identifiers: Orphanet 231169, Orphanet 886, MedGen C1832845, MONDO:0010984, OMIM 601067.
Usher syndrome type 1F (USH1F). Also called: USHER SYNDROME, TYPE IF. Identifiers: Orphanet 231169, Orphanet 886, MedGen C1865885, MONDO:0011186, OMIM 602083.
Usher syndrome type 1 (USH1). Also called: RETINITIS PIGMENTOSA AND CONGENITAL DEAFNESS. Identifiers: Orphanet 231169, Orphanet 886, MedGen C1568247, MONDO:0010168, OMIM 276900.

Allele frequency attached by ClinVar (database versions not stated): gnomAD exomes 0.00033 and 0.00041; ExAC 0.00046; gnomAD 0.00081; TOPMed 0.00091; 1000 Genomes Project 0.00140; 1000 Genomes Project 30x 0.00141; ESP Exome Variant Server 0.00146.
gnomAD v4.1: 610 of 1,613,958 alleles (0.038%); highest among the groups gnomAD compares: Middle Eastern, 0.31%; 2 homozygotes.

Submissions (11):

Labcorp Genetics (formerly Invitae), Labcorp
Classification: Likely benign. Last evaluated: 2026-01-28. Review status: criteria provided, single submitter. Criteria: Invitae Variant Classification Sherloc (09022015). Collection method: clinical testing. Allele origin: germline.

PreventionGenetics, part of Exact Sciences
Classification: Likely benign for PCDH15-related condition. Last evaluated: 2024-10-14. Review status: criteria provided, single submitter. Criteria: ACMG Guidelines, 2015. Collection method: clinical testing. Allele origin: germline.
Comment: This variant is classified as likely benign based on ACMG/AMP sequence variant interpretation guidelines (Richards et al. 2015 PMID: 25741868, with internal and published modifications).

Blueprint Genetics
Classification: Likely benign. Last evaluated: 2024-09-23. Review status: criteria provided, single submitter. Criteria: ACMG Guidelines, 2015. Collection method: clinical testing. Allele origin: germline.

Mayo Clinic Laboratories, Mayo Clinic
Classification: Uncertain significance. Last evaluated: 2023-01-13. Review status: criteria provided, single submitter. Criteria: ACMG Guidelines, 2015. Collection method: clinical testing. Allele origin: germline. Observed: 1 variant allele.
Comment: BS1_supporting

GeneDx
Classification: Likely benign. Last evaluated: 2021-11-30. Review status: criteria provided, single submitter. Criteria: GeneDx Variant Classification Process June 2021. Collection method: clinical testing. Allele origin: germline. Affected: yes.
Comment: In silico analysis, which includes protein predictors and evolutionary conservation, supports a deleterious effect; Identified heterozygous in an individual with nonsyndromic hearing loss who also harbored variants in two other hearing loss-associated genes (Besnard et al., 2014).; This variant is associated with the following publications: (PMID: 24498627)

Pars Genome Lab
Classification: Uncertain significance for Usher syndrome type 1F. Last evaluated: 2021-05-18. Review status: criteria provided, single submitter. Criteria: ACMG Guidelines, 2015. Collection method: clinical testing. Allele origin: germline. Affected: no.

Fulgent Genetics
Classification: Uncertain significance for Usher syndrome type 1D; Usher syndrome type 1F; Autosomal recessive nonsyndromic hearing loss 23. Last evaluated: 2018-10-31. Review status: criteria provided, single submitter. Criteria: ACMG Guidelines, 2015. Collection method: clinical testing. Allele origin: unknown.

Laboratory for Molecular Medicine, Mass General Brigham Personalized Medicine
Classification: Uncertain significance. Last evaluated: 2017-12-21. Review status: criteria provided, single submitter. Criteria: LMM Criteria. Collection method: clinical testing. Allele origin: germline. Observed: 1 variant allele.
Comment: Variant classified as Uncertain Significance - Favor Benign. The p.Gly402Ala var iant in PCDH15 has been reported in the heterozygous state in 1 individual with hearing loss (Besnard 2014). It has also been identified in 0.26% (62/24036) of African chromosomes by the Genome Aggregation Database (gnomAD; dbSNP rs145017164). Although this variant has been seen in the general population, its frequency is not high enough to rule out a pathogenic r ole. Computational prediction tools and conservation analysis do not provide str ong support for or against an impact to the protein. In summary, while the clini cal significance of the p.Gly402Ala variant is uncertain, its frequency suggests that it is more likely to be benign. ACMG/AMP Criteria applied: BS1_supporting.

Illumina Laboratory Services, Illumina
Classification: Uncertain significance for Usher syndrome type 1. Last evaluated: 2017-04-27. Review status: criteria provided, single submitter. Criteria: ICSL Variant Classification Criteria 13 December 2019. Collection method: clinical testing. Allele origin: germline.

Eurofins Ntd Llc (ga)
Classification: Uncertain significance. Last evaluated: 2015-07-10. Review status: criteria provided, single submitter. Criteria: EGL Classification Definitions 2015. Collection method: clinical testing. Allele origin: germline. Observed: 1 variant allele, 1 heterozygote.

Institute of Human Genetics, Univ. Regensburg, Univ. Regensburg
Classification: Uncertain significance for Retinal dystrophy. Last evaluated: 2022-01-01. Review status: no assertion criteria provided. Criteria: ACMG Guidelines, 2015. Collection method: clinical testing. Allele origin: germline. Affected: yes. Not counted in ClinVar's aggregate classification.

Literature cited by the submitters: PubMed 24498627 (cited by Laboratory for Molecular Medicine, Mass General Brigham Personalized Medicine).

NM_001384140.1(PCDH15):c.1205G>C (p.Gly402Ala)

Gene: PCDH15 (protocadherin related 15; minus strand). Cytogenetic location: 10q21.1.
Variant type: single nucleotide variant.
Coding change: c.1205G>C on transcript NM_001384140.1 (MANE Select); coding-DNA position 1205, G replaced by C.
Protein change: p.Gly402Ala; replaces glycine 402 with alanine.
Molecular consequence: missense variant.
Genome position (GRCh38, 1-based): chr10:54,195,783, C>G on the plus strand (G>C on the coding strand, the complement: PCDH15 is on the minus strand). VCF-style: chr10-54195783-C-G. GRCh37 (hg19) VCF-style: chr10-55955543-C-G.
Other names: c.1220G>C, p.Gly407Ala (NM_001142763.2, NM_001142769.4, NM_001142771.2); c.1205G>C, p.Gly402Ala (NM_001142764.2, NM_001142765.2, NM_001142766.2 and 7 more transcripts); c.1094G>C, p.Gly365Ala (NM_001142767.2); c.1139G>C, p.Gly380Ala (NM_001142768.2, NM_001142773.2, NM_001354404.2); short protein forms G407A, G402A, G380A, G365A.
Identifiers: ClinVar variation 281800 (VCV000281800.33), dbSNP rs145017164, ClinGen allele CA5506466.
Genomic context (GRCh38, chr10:54,195,783, plus strand): 5'-GAAGTCAAATTGAGACTGTCCGAAATGGTTGCTCCCACTGGGGCAGATTCCAGGATATAG[C>G]CTTGATAACTGGGCATTGTAAAATATGGACTTTGATTGTTTTCATCCAGTATTTCAATGT-3'
Protein context (NP_001371069.1, residues 392-412): SPYFTMPSYQ[Gly402Ala]YILESAPVGA